The following is an entry in ClinVar:

NM_001211.6(BUB1B):c.209C>T (p.Thr70Ile)

Gene: BUB1B (BUB1 mitotic checkpoint serine/threonine kinase B; plus strand). Cytogenetic location: 15q15.1.
Variant type: single nucleotide variant.
Coding change: c.209C>T on transcript NM_001211.6 (MANE Select); coding-DNA position 209, C replaced by T.
Protein change: p.Thr70Ile; replaces threonine 70 with isoleucine.
Molecular consequence: missense variant.
Genome position (GRCh38, 1-based): chr15:40,170,091, C>T. VCF-style: chr15-40170091-C-T. GRCh37 (hg19) VCF-style: chr15-40462292-C-T.
Other names: short protein forms T70I.
Identifiers: ClinVar variation 851148 (VCV000851148.13), dbSNP rs769980774, ClinGen allele CA7475409.

ClinVar aggregate classification (germline): Uncertain significance. Review status: criteria provided, multiple submitters, no conflicts (2 of 4 stars). 2 submissions from 2 submitters: Uncertain significance (2). Last evaluated 2021-09-07.

Conditions:
Mosaic variegated aneuploidy syndrome 1 (MVA1). Also called: Warburton-Anyane-Yeboa syndrome. Identifiers: Orphanet 1052, MedGen C1850343, MONDO:0009759, OMIM 257300.
Inborn genetic diseases. Identifiers: MedGen C0950123, MeSH D030342.

Allele frequency attached by ClinVar (database versions not stated): gnomAD exomes below 0.00001; ExAC 0.00001.
gnomAD v4.1: 2 of 1,613,888 alleles (0.00012%); highest among the groups gnomAD compares: Non-Finnish European, 0.000085%; no homozygotes.

Submissions (2):

Ambry Genetics
Classification: Uncertain significance for Inborn genetic diseases. Last evaluated: 2021-09-07. Review status: criteria provided, single submitter. Criteria: Ambry Variant Classification Scheme 2023. Collection method: clinical testing. Allele origin: germline.
Comment: The p.T70I variant (also known as c.209C>T), located in coding exon 3 of the BUB1B gene, results from a C to T substitution at nucleotide position 209. The threonine at codon 70 is replaced by isoleucine, an amino acid with similar properties. This amino acid position is conserved. In addition, this alteration is predicted to be tolerated by in silico analysis. Since supporting evidence is limited at this time, the clinical significance of this alteration remains unclear.

Labcorp Genetics (formerly Invitae), Labcorp
Classification: Uncertain significance for Mosaic variegated aneuploidy syndrome 1. Last evaluated: 2021-05-17. Review status: criteria provided, single submitter. Criteria: Invitae Variant Classification Sherloc (09022015). Collection method: clinical testing. Allele origin: germline.
Comment: In summary, the available evidence is currently insufficient to determine the role of this variant in disease. Therefore, it has been classified as a Variant of Uncertain Significance. Algorithms developed to predict the effect of missense changes on protein structure and function (SIFT, PolyPhen-2, Align-GVGD) all suggest that this variant is likely to be tolerated, but these predictions have not been confirmed by published functional studies and their clinical significance is uncertain. This variant has not been reported in the literature in individuals with BUB1B-related conditions. This variant is present in population databases (rs769980774, ExAC 0.001%). This sequence change replaces threonine with isoleucine at codon 70 of the BUB1B protein (p.Thr70Ile). The threonine residue is weakly conserved and there is a moderate physicochemical difference between threonine and isoleucine.